The following is an entry in ClinVar:

NM_000179.3(MSH6):c.2077A>G (p.Lys693Glu)

Gene: MSH6 (mutS homolog 6; plus strand). Cytogenetic location: 2p16.3.
Variant type: single nucleotide variant.
Coding change: c.2077A>G on transcript NM_000179.3 (MANE Select); coding-DNA position 2077, A replaced by G.
Protein change: p.Lys693Glu; replaces lysine 693 with glutamic acid.
Molecular consequence: missense variant. On other transcripts: non-coding transcript variant (5), intron variant (2).
Genome position (GRCh38, 1-based): chr2:47,800,060, A>G. VCF-style: chr2-47800060-A-G. GRCh37 (hg19) VCF-style: chr2-48027199-A-G.
Other names: c.1687A>G, p.Lys563Glu (NM_001281492.2); c.1171A>G, p.Lys391Glu (NM_001281493.2, NM_001281494.2, NM_001406811.1 and 6 more transcripts); c.2173A>G, p.Lys725Glu (NM_001406795.1, NM_001406802.1); c.2077A>G, p.Lys693Glu (NM_001406796.1, NM_001406798.1, NM_001406800.1 and 3 more transcripts); c.1780A>G, p.Lys594Glu (NM_001406797.1, NM_001406801.1, NM_001406805.1 and 10 more transcripts); c.1552A>G, p.Lys518Glu (NM_001406799.1, NM_001406806.1, NM_001406807.1); c.1999A>G, p.Lys667Glu (NM_001406804.1); c.2083A>G, p.Lys695Glu (NM_001406813.1); and 3 more; short protein forms K391E, K518E, K563E, K594E, K637E, K667E, K693E, K695E.
Identifiers: ClinVar variation 4800209 (VCV004800209.1).

ClinVar aggregate classification (germline): Uncertain significance (1 of 4 stars; one submission).

Conditions:
Hereditary nonpolyposis colorectal neoplasms. Identifiers: MedGen C0009405, MeSH D003123.

Submission:

Labcorp Genetics (formerly Invitae), Labcorp
Classification: Uncertain significance for Hereditary nonpolyposis colorectal neoplasms. Last evaluated: 2025-07-14. Review status: criteria provided, single submitter. Criteria: Invitae Variant Classification Sherloc (09022015). Collection method: clinical testing. Allele origin: germline.
Comment: This sequence change replaces lysine, which is basic and polar, with glutamic acid, which is acidic and polar, at codon 693 of the MSH6 protein (p.Lys693Glu). This variant is not present in population databases (gnomAD no frequency). This variant has not been reported in the literature in individuals affected with MSH6-related conditions. Invitae Evidence Modeling of protein sequence and biophysical properties (such as structural, functional, and spatial information, amino acid conservation, physicochemical variation, residue mobility, and thermodynamic stability) indicates that this missense variant is not expected to disrupt MSH6 protein function with a negative predictive value of 95%. In summary, the available evidence is currently insufficient to determine the role of this variant in disease. Therefore, it has been classified as a Variant of Uncertain Significance.